The following is an entry in ClinVar:

ClinVar aggregate classification (germline): Uncertain significance (1 of 4 stars; one submission).

Allele frequency attached by ClinVar (database versions not stated): TOPMed 0.00002; gnomAD 0.00003.
gnomAD v4.1: 34 of 1,609,294 alleles (0.0021%); highest among the groups gnomAD compares: East Asian, 0.043%; no homozygotes.

Submission:

Women's Health and Genetics/Laboratory Corporation of America, LabCorp
Classification: Uncertain significance. Last evaluated: 2024-04-24. Review status: criteria provided, single submitter. Criteria: LabCorp Variant Classification Summary - May 2015. Collection method: clinical testing. Allele origin: germline.
Comment: Variant summary: NDUFS7 c.175C>T (p.Arg59Trp) results in a non-conservative amino acid change in the encoded protein sequence. Three of five in-silico tools predict a damaging effect of the variant on protein function. The variant allele was found at a frequency of 1.7e-05 in 240016 control chromosomes. The available data on variant occurrences in the general population are insufficient to allow any conclusion about variant significance. c.175C>T has been reported in the literature in an individual affected with Leigh Syndrome (Ogwa_2020). This report does not provide unequivocal conclusions about association of the variant with Leigh Syndrome. To our knowledge, no experimental evidence demonstrating an impact on protein function has been reported. The following publication has been ascertained in the context of this evaluation (PMID: 31967322). No submitters have cited clinical-significance assessments for this variant to ClinVar. Based on the evidence outlined above, the variant was classified as uncertain significance.

Literature cited by the submitters: PubMed 31967322.

NM_024407.5(NDUFS7):c.175C>T (p.Arg59Trp)

Gene: NDUFS7 (NADH:ubiquinone oxidoreductase core subunit S7; plus strand). Cytogenetic location: 19p13.3.
Variant type: single nucleotide variant.
Coding change: c.175C>T on transcript NM_024407.5 (MANE Select); coding-DNA position 175, C replaced by T.
Protein change: p.Arg59Trp; replaces arginine 59 with tryptophan.
Molecular consequence: missense variant.
Genome position (GRCh38, 1-based): chr19:1,388,885, C>T. VCF-style: chr19-1388885-C-T. GRCh37 (hg19) VCF-style: chr19-1388884-C-T.
Other names: c.175C>T, p.Arg59Trp (NM_001363602.2); short protein forms R59W.
Identifiers: ClinVar variation 3251735 (VCV003251735.1), dbSNP rs772876915.